The following is an entry in ClinVar:

ClinVar aggregate classification (germline): Conflicting classifications of pathogenicity. Review status: criteria provided, conflicting classifications (1 of 4 stars). 2 submissions from 2 submitters: Likely pathogenic (1); Uncertain significance (1). Last evaluated 2024-04-29.

Conditions:
Fumarase deficiency (FMRD). Also called: Fumaric aciduria; Fumarate Hydratase Deficiency. Identifiers: Orphanet 24, MedGen C0342770, MONDO:0011730, OMIM 606812.
Hereditary cancer-predisposing syndrome. Also called: Neoplastic Syndromes, Hereditary; Hereditary neoplastic syndrome; Tumor predisposition; Hereditary Cancer Syndrome. Identifiers: Orphanet 140162, MedGen C0027672, MeSH D009386, MONDO:0015356.

Submissions (2):

Ambry Genetics
Classification: Likely pathogenic for Hereditary cancer-predisposing syndrome. Last evaluated: 2024-04-29. Review status: criteria provided, single submitter. Criteria: Ambry Variant Classification Scheme 2023. Collection method: clinical testing. Allele origin: germline.
Comment: The p.C377Y variant (also known as c.1130G>A), located in coding exon 8 of the FH gene, results from a G to A substitution at nucleotide position 1130. The cysteine at codon 377 is replaced by tyrosine, an amino acid with highly dissimilar properties. Another variant at the same codon, p.C377R (c.1129T>C), has been observed in at least one individual with a personal and/or family history that is consistent with FH-associated disease and shown to be structurally deleterious (Ambry internal data). This variant is considered to be rare based on population cohorts in the Genome Aggregation Database (gnomAD). This amino acid position is highly conserved in available vertebrate species. In addition, this alteration is predicted to be deleterious by in silico analysis. Based on the majority of available evidence to date, this variant is likely to be pathogenic.

Labcorp Genetics (formerly Invitae), Labcorp
Classification: Uncertain significance for Fumarase deficiency. Last evaluated: 2017-09-14. Review status: criteria provided, single submitter. Criteria: Invitae Variant Classification Sherloc (09022015). Collection method: clinical testing. Allele origin: germline.
Comment: This sequence change replaces cysteine with tyrosine at codon 377 of the FH protein (p.Cys377Tyr). The cysteine residue is highly conserved and there is a large physicochemical difference between cysteine and tyrosine. This variant is not present in population databases (ExAC no frequency). This variant has not been reported in the literature in individuals with FH-related disease. Algorithms developed to predict the effect of missense changes on protein structure and function do not agree on the potential impact of this missense change (SIFT: "Deleterious"; PolyPhen-2: "Probably Damaging"; Align-GVGD: "Class C15"). In summary, the available evidence is currently insufficient to determine the role of this variant in disease. Therefore, it has been classified as a Variant of Uncertain Significance.

NM_000143.4(FH):c.1130G>A (p.Cys377Tyr)

Gene: FH (fumarate hydratase; minus strand). Cytogenetic location: 1q43.
Variant type: single nucleotide variant.
Coding change: c.1130G>A on transcript NM_000143.4 (MANE Select); coding-DNA position 1130, G replaced by A.
Protein change: p.Cys377Tyr; replaces cysteine 377 with tyrosine.
Molecular consequence: missense variant.
Genome position (GRCh38, 1-based): chr1:241,502,549, C>T on the plus strand (G>A on the coding strand, the complement: FH is on the minus strand). VCF-style: chr1-241502549-C-T. GRCh37 (hg19) VCF-style: chr1-241665849-C-T.
Other names: short protein forms C377Y.
Identifiers: ClinVar variation 529802 (VCV000529802.2), dbSNP rs1553340880, ClinGen allele CA345437584.
Genomic context (GRCh38, chr1:241,502,549, plus strand): 5'-CCGACAGTGACAGCAACATGGTTCCCCATGACTTGGGCTGCAACCATGGTCATTGCTTCA[C>T]ACTGAGTAGGGTTCACCTTGCCTTCAAGAAAACCACCAATGACAGAGTAAAGACTAAATT-3'
Protein context (NP_000134.2, residues 367-387): IMPGKVNPTQ[Cys377Tyr]EAMTMVAAQV